The following is an entry in ClinVar:

NM_000038.6(APC):c.8150G>A (p.Gly2717Asp)

Gene: APC (APC regulator of Wnt signaling pathway; plus strand). Cytogenetic location: 5q22.2.
Variant type: single nucleotide variant.
Coding change: c.8150G>A on transcript NM_000038.6 (MANE Select); coding-DNA position 8150, G replaced by A.
Protein change: p.Gly2717Asp; replaces glycine 2717 with aspartic acid.
Molecular consequence: missense variant.
Genome position (GRCh38, 1-based): chr5:112,843,744, G>A. VCF-style: chr5-112843744-G-A. GRCh37 (hg19) VCF-style: chr5-112179441-G-A.
Other names: c.8150G>A, p.Gly2717Asp (NM_001127510.3, NM_001354895.2); c.8096G>A, p.Gly2699Asp (NM_001127511.3); c.8204G>A, p.Gly2735Asp (NM_001354896.2); c.8180G>A, p.Gly2727Asp (NM_001354897.2); c.8075G>A, p.Gly2692Asp (NM_001354898.2); c.8066G>A, p.Gly2689Asp (NM_001354899.2); c.8027G>A, p.Gly2676Asp (NM_001354900.2); c.7973G>A, p.Gly2658Asp (NM_001354901.2); and 5 more; short protein forms G2699D, G2717D, G2616D, G2658D, G2434D, G2557D, G2591D, G2626D.
Identifiers: ClinVar variation 229798 (VCV000229798.16), dbSNP rs876658201, ClinGen allele CA10578458.

ClinVar aggregate classification (germline): Uncertain significance. Review status: criteria provided, multiple submitters, no conflicts (2 of 4 stars). 4 submissions from 4 submitters: Uncertain significance (4). Last evaluated 2026-01-11.

Conditions:
Hereditary cancer-predisposing syndrome. Also called: Hereditary neoplastic syndrome; Hereditary Cancer Syndrome; Neoplastic Syndromes, Hereditary; Tumor predisposition. Identifiers: Orphanet 140162, MedGen C0027672, MeSH D009386, MONDO:0015356.
Familial adenomatous polyposis 1 (FAP1). Also called: FAMILIAL ADENOMATOUS POLYPOSIS 1, ATTENUATED; POLYPOSIS, ADENOMATOUS INTESTINAL. Identifiers: MedGen C2713442, MONDO:0021056, OMIM 175100. Disease mechanism: loss of function.

gnomAD v4.1: 1 of 1,614,086 alleles (0.000062%); no homozygotes.

Submissions (4):

Labcorp Genetics (formerly Invitae), Labcorp
Classification: Uncertain significance for Familial adenomatous polyposis 1. Last evaluated: 2026-01-11. Review status: criteria provided, single submitter. Criteria: Invitae Variant Classification Sherloc (09022015). Collection method: clinical testing. Allele origin: germline.
Comment: This sequence change replaces glycine, which is neutral and non-polar, with aspartic acid, which is acidic and polar, at codon 2717 of the APC protein (p.Gly2717Asp). This variant is not present in population databases (gnomAD no frequency). This variant has not been reported in the literature in individuals affected with APC-related conditions. ClinVar contains an entry for this variant (Variation ID: 229798). Invitae Evidence Modeling of protein sequence and biophysical properties (such as structural, functional, and spatial information, amino acid conservation, physicochemical variation, residue mobility, and thermodynamic stability) indicates that this missense variant is not expected to disrupt APC protein function with a negative predictive value of 95%. In summary, the available evidence is currently insufficient to determine the role of this variant in disease. Therefore, it has been classified as a Variant of Uncertain Significance.

Ambry Genetics
Classification: Uncertain significance for Hereditary cancer-predisposing syndrome. Last evaluated: 2025-04-04. Review status: criteria provided, single submitter. Criteria: Ambry Variant Classification Scheme 2023. Collection method: clinical testing. Allele origin: germline.
Comment: The p.G2717D variant (also known as c.8150G>A), located in coding exon 15 of the APC gene, results from a G to A substitution at nucleotide position 8150. The glycine at codon 2717 is replaced by aspartic acid, an amino acid with similar properties. This amino acid position is highly conserved in available vertebrate species. In addition, in silico predictors for this gene do not accurately predict pathogenicity. Since supporting evidence is limited at this time, the clinical significance of this alteration remains unclear.

Color Diagnostics, LLC DBA Color Health
Classification: Uncertain significance for Hereditary cancer-predisposing syndrome. Last evaluated: 2024-04-15. Review status: criteria provided, single submitter. Criteria: ACMG Guidelines, 2015. Collection method: clinical testing. Allele origin: germline.
Comment: This missense variant replaces glycine with aspartic acid at codon 2717 of the APC protein. Computational prediction is inconclusive regarding the impact of this variant on protein structure and function (internally defined REVEL score threshold 0.5 < inconclusive < 0.7, PMID: 27666373). To our knowledge, functional studies have not been reported for this variant. This variant has not been reported in individuals affected with APC-related disorders in the literature. This variant has not been identified in the general population by the Genome Aggregation Database (gnomAD). The available evidence is insufficient to determine the role of this variant in disease conclusively. Therefore, this variant is classified as a Variant of Uncertain Significance.

Quest Diagnostics Nichols Institute San Juan Capistrano
Classification: Uncertain significance. Last evaluated: 2021-07-20. Review status: criteria provided, single submitter. Criteria: Quest Diagnostics criteria. Collection method: clinical testing. Allele origin: unknown.